The following is an entry in ClinVar:

NC_000004.11:g.(?_39257448)_(39257600_?)del

Gene: WDR19 (WD repeat domain 19; plus strand). Cytogenetic location: 4p14.
Variant type: Deletion.
Identifiers: ClinVar variation 1457671 (VCV001457671.5).

ClinVar aggregate classification (germline): Pathogenic (1 of 4 stars; one submission).

Conditions:
Asphyxiating thoracic dystrophy 5 (SRTD5). Also called: SHORT-RIB THORACIC DYSPLASIA 5 WITH OR WITHOUT POLYDACTYLY; SHORT-RIB THORACIC DYSPLASIA 5 WITHOUT POLYDACTYLY. Identifiers: Orphanet 474, MedGen C3280598, MONDO:0013717, OMIM 614376.
Senior-Loken syndrome 8 (SLSN8). Identifiers: Orphanet 3156, MedGen C4225376, MONDO:0014579, OMIM 616307.

Submission:

Labcorp Genetics (formerly Invitae), Labcorp
Classification: Pathogenic for Senior-Loken syndrome 8; Asphyxiating thoracic dystrophy 5. Last evaluated: 2022-06-20. Review status: criteria provided, single submitter. Criteria: Invitae Variant Classification Sherloc (09022015). Collection method: clinical testing. Allele origin: germline.
Comment: For these reasons, this variant has been classified as Pathogenic. This variant has not been reported in the literature in individuals affected with WDR19-related conditions. This variant is a gross deletion of the genomic region encompassing exon(s) 27 of the WDR19 gene. This deletion is out-of-frame, and is expected to create a premature termination codon and result in an absent or disrupted protein product. Loss-of-function variants in WDR19 are known to be pathogenic (PMID: 22019273, 23559409, 23683095, 26275793, 27241786, 29068549).

Literature cited by the submitters: PubMed 22019273; PubMed 23559409; PubMed 23683095; PubMed 26275793; PubMed 27241786; PubMed 29068549.